The following is an entry in ClinVar:

ClinVar aggregate classification (germline): Uncertain significance (1 of 4 stars; one submission).

Submission:

Women's Health and Genetics/Laboratory Corporation of America, LabCorp
Classification: Uncertain significance. Last evaluated: 2024-12-26. Review status: criteria provided, single submitter. Criteria: LabCorp Variant Classification Summary - May 2015. Collection method: clinical testing. Allele origin: germline.
Comment: Variant summary: ATP1A3 c.1903G>T (p.Ala635Ser) results in a conservative amino acid change located in the alpha-subunit of Na(+)/K(+)-ATPases and of gastric H(+)/K(+)-ATPase, similar to the human Na(+)/K(+)-ATPase alpha subunits 1-4 (IPR050510) of the encoded protein sequence. Three of five in-silico tools predict a damaging effect of the variant on protein function. The variant was absent in 251458 control chromosomes. The available data on variant occurrences in the general population are insufficient to allow any conclusion about variant significance. To our knowledge, no occurrence of c.1903G>T in individuals affected with ATP1A3-Related Disorders and no experimental evidence demonstrating its impact on protein function have been reported. No submitters have cited clinical-significance assessments for this variant to ClinVar. Based on the evidence outlined above, the variant was classified as uncertain significance.

NM_152296.5(ATP1A3):c.1903G>T (p.Ala635Ser)

Gene: ATP1A3 (ATPase Na+/K+ transporting subunit alpha 3; minus strand). Cytogenetic location: 19q13.2.
Variant type: single nucleotide variant.
Coding change: c.1903G>T on transcript NM_152296.5 (MANE Select); coding-DNA position 1903, G replaced by T.
Protein change: p.Ala635Ser; replaces alanine 635 with serine.
Molecular consequence: missense variant.
Genome position (GRCh38, 1-based): chr19:41,977,976, C>A on the plus strand (G>T on the coding strand, the complement: ATP1A3 is on the minus strand). VCF-style: chr19-41977976-C-A. GRCh37 (hg19) VCF-style: chr19-42482128-C-A.
Other names: c.1936G>T, p.Ala646Ser (NM_001256213.2); c.1942G>T, p.Ala648Ser (NM_001256214.2); short protein forms A635S, A646S, A648S.
Identifiers: ClinVar variation 3768421 (VCV003768421.1).